The following is an entry in ClinVar:

ClinVar aggregate classification (germline): Uncertain significance (1 of 4 stars; one submission).

Conditions:
Dilated cardiomyopathy 1Z (CMD1Z). Identifiers: Orphanet 154, MedGen C2678475, MONDO:0012745, OMIM 611879.
Hypertrophic cardiomyopathy 13. Also called: TNNC1-Related Familial Hypertrophic Cardiomyopathy. Identifiers: MedGen C2750472, MONDO:0013195, OMIM 613243.

Submission:

Labcorp Genetics (formerly Invitae), Labcorp
Classification: Uncertain significance for Hypertrophic cardiomyopathy 13; Dilated cardiomyopathy 1Z. Last evaluated: 2024-01-11. Review status: criteria provided, single submitter. Criteria: Invitae Variant Classification Sherloc (09022015). Collection method: clinical testing. Allele origin: germline.
Comment: This sequence change replaces proline, which is neutral and non-polar, with leucine, which is neutral and non-polar, at codon 52 of the TNNC1 protein (p.Pro52Leu). This variant is not present in population databases (gnomAD no frequency). This variant has not been reported in the literature in individuals affected with TNNC1-related conditions. ClinVar contains an entry for this variant (Variation ID: 848729). An algorithm developed to predict the effect of missense changes on protein structure and function (PolyPhen-2) suggests that this variant is likely to be disruptive. In summary, the available evidence is currently insufficient to determine the role of this variant in disease. Therefore, it has been classified as a Variant of Uncertain Significance.

NM_003280.3(TNNC1):c.155C>T (p.Pro52Leu)

Gene: TNNC1 (troponin C1, slow skeletal and cardiac type; minus strand). Cytogenetic location: 3p21.1.
Variant type: single nucleotide variant.
Coding change: c.155C>T on transcript NM_003280.3 (MANE Select); coding-DNA position 155, C replaced by T.
Protein change: p.Pro52Leu; replaces proline 52 with leucine.
Molecular consequence: missense variant.
Genome position (GRCh38, 1-based): chr3:52,452,153, G>A on the plus strand (C>T on the coding strand, the complement: TNNC1 is on the minus strand). VCF-style: chr3-52452153-G-A. GRCh37 (hg19) VCF-style: chr3-52486169-G-A.
Other names: short protein forms P52L.
Identifiers: ClinVar variation 848729 (VCV000848729.8), dbSNP rs730881065, ClinGen allele CA353168551.
Genomic context (GRCh38, chr3:52,452,153, plus strand): 5'-GGAGGGGGCTCACCGTCCTCGTCCACCTCATCGATCATCTCCTGCAGCTCCTCAGGGGTG[G>A]GGTTCTGGCCCAGCATCCTCATCACCTTGCCCAGCTCCTTGGTGCTGATGCAGCCATCCT-3'
Protein context (NP_003271.1, residues 42-62): GKVMRMLGQN[Pro52Leu]TPEELQEMID